The following is an entry in ClinVar:

NM_000256.3(MYBPC3):c.1097A>C (p.Gln366Pro)

Gene: MYBPC3 (myosin binding protein C3; minus strand). Cytogenetic location: 11p11.2.
Variant type: single nucleotide variant.
Coding change: c.1097A>C on transcript NM_000256.3 (MANE Select); coding-DNA position 1097, A replaced by C.
Protein change: p.Gln366Pro; replaces glutamine 366 with proline.
Molecular consequence: missense variant.
Genome position (GRCh38, 1-based): chr11:47,343,618, T>G on the plus strand (A>C on the coding strand, the complement: MYBPC3 is on the minus strand). VCF-style: chr11-47343618-T-G. GRCh37 (hg19) VCF-style: chr11-47365169-T-G.
Other names: c.1097A>C, p.Gln366Pro (LRG_386t1); short protein forms Q366P.
Identifiers: ClinVar variation 519044 (VCV000519044.11), dbSNP rs1451314369, ClinGen allele CA380329498.
Genomic context (GRCh38, chr11:47,343,618, plus strand): 5'-TCCACGGTCAGCCGGATCTTGTGGCCTTTGCTCACCTGGTAGGCCGGCTCCAGCTTCTTC[T>G]GAAAGGCTGAGCACCACCCCTCAGCCCCGGCCACCCCACCGCCCGCACCCTGCTCCCCCA-3'
Protein context (NP_000247.2, residues 356-376): RRDEKKSTAF[Gln366Pro]KKLEPAYQVS

ClinVar aggregate classification (germline): Uncertain significance. Review status: criteria provided, multiple submitters, no conflicts (2 of 4 stars). 4 submissions from 4 submitters: Uncertain significance (4). Last evaluated 2023-11-30.

Conditions:
Hypertrophic cardiomyopathy. Also called: HYPERTROPHIC MYOCARDIOPATHY. Identifiers: Orphanet 217569, MedGen C0007194, MeSH D002312, MONDO:0005045, HP:0001639.
Cardiovascular phenotype. Identifiers: MedGen CN230736.

Submissions (4):

All of Us Research Program, National Institutes of Health
Classification: Uncertain significance for Hypertrophic cardiomyopathy. Last evaluated: 2023-11-30. Review status: criteria provided, single submitter. Criteria: ACMG Guidelines, 2015. Collection method: clinical testing. Allele origin: germline. Inheritance: Autosomal dominant inheritance. Observed: 2 variant alleles, 2 heterozygotes.
Comment: This missense variant replaces glutamine with proline at codon 366 of the MYBPC3 protein. Computational prediction suggests that this variant may not impact protein structure and function (internally defined REVEL score threshold <= 0.5, PMID: 27666373). To our knowledge, functional studies have not been reported for this variant. This variant has been reported in at least 1 individual affected with hypertrophic cardiomyopathy (PMID: 27532257). This variant has not been identified in the general population by the Genome Aggregation Database (gnomAD). The available evidence is insufficient to determine the role of this variant in disease conclusively. Therefore, this variant is classified as a Variant of Uncertain Significance.

This study involves interpretation of variants in research participants for the purpose of population health screening. Participant phenotype was not available at the time of variant classification. Additional details can be found in publication PMID: 35346344, PMCID: PMC8962531

Labcorp Genetics (formerly Invitae), Labcorp
Classification: Uncertain significance for Hypertrophic cardiomyopathy. Last evaluated: 2023-03-27. Review status: criteria provided, single submitter. Criteria: Invitae Variant Classification Sherloc (09022015). Collection method: clinical testing. Allele origin: germline.
Comment: In summary, the available evidence is currently insufficient to determine the role of this variant in disease. Therefore, it has been classified as a Variant of Uncertain Significance. This sequence change replaces glutamine, which is neutral and polar, with proline, which is neutral and non-polar, at codon 366 of the MYBPC3 protein (p.Gln366Pro). This variant is not present in population databases (gnomAD no frequency). This missense change has been observed in individual(s) with hypertrophic cardiomyopathy (PMID: 27532257). ClinVar contains an entry for this variant (Variation ID: 519044). An algorithm developed to predict the effect of missense changes on protein structure and function (PolyPhen-2) suggests that this variant is likely to be disruptive. Algorithms developed to predict the effect of sequence changes on RNA splicing suggest that this variant may disrupt the consensus splice site.

Ambry Genetics
Classification: Uncertain significance for Cardiovascular phenotype. Last evaluated: 2020-11-20. Review status: criteria provided, single submitter. Criteria: Ambry Variant Classification Scheme 2023. Collection method: clinical testing. Allele origin: germline.
Comment: The p.Q366P variant (also known as c.1097A>C), located in coding exon 13 of the MYBPC3 gene, results from an A to C substitution at nucleotide position 1097. The glutamine at codon 366 is replaced by proline, an amino acid with similar properties. This alteration has been reported in a hypertrophic cardiomyopathy cohort; however, clinical details were limited (Walsh R et al. Genet Med, 2017 02;19:192-203). This amino acid position is not well conserved in available vertebrate species. In addition, this alteration is predicted to be tolerated by in silico analysis. Since supporting evidence is limited at this time, the clinical significance of this alteration remains unclear.

GeneDx
Classification: Uncertain significance. Last evaluated: 2020-10-05. Review status: criteria provided, single submitter. Criteria: GeneDx Variant Classification Process June 2021. Collection method: clinical testing. Allele origin: germline. Affected: yes.
Comment: Reported in a patient referred for hypertrophic cardiomyopathy genetic testing (Walsh et al., 2017); however, additional clinical information was not provided; Reported in ClinVar as a variant of uncertain significance (ClinVar Variant ID# 519044; Landrum et al., 2016); Not observed in large population cohorts (Lek et al., 2016); In silico analysis supports that this missense variant does not alter protein structure/function; This variant is associated with the following publications: (PMID: 27532257)

Literature cited by the submitters: PubMed 27532257 (cited by 3 submitters).